The following is an entry in ClinVar:

ClinVar aggregate classification (germline): Uncertain significance (1 of 4 stars; one submission).

Submission:

Ambry Genetics
Classification: Uncertain significance. Last evaluated: 2026-08-10. Review status: criteria provided, single submitter. Criteria: Ambry Variant Classification Scheme 2023. Collection method: clinical testing. Allele origin: germline.
Comment: The p.M507T variant (also known as c.1520T>C), located in coding exon 1 of the MLH3 gene, results from a T to C substitution at nucleotide position 1520. The methionine at codon 507 is replaced by threonine, an amino acid with similar properties. This amino acid position is conserved. In addition, this alteration is predicted to be tolerated by in silico analysis. Based on the available evidence, the clinical significance of this variant remains unclear.

NM_001040108.2(MLH3):c.1520T>C (p.Met507Thr)

Gene: MLH3 (mutL homolog 3; minus strand). Cytogenetic location: 14q24.3.
Variant type: single nucleotide variant.
Coding change: c.1520T>C on transcript NM_001040108.2 (MANE Select); coding-DNA position 1520, T replaced by C.
Protein change: p.Met507Thr; replaces methionine 507 with threonine.
Molecular consequence: missense variant.
Genome position (GRCh38, 1-based): chr14:75,048,136, A>G on the plus strand (T>C on the coding strand, the complement: MLH3 is on the minus strand). VCF-style: chr14-75048136-A-G. GRCh37 (hg19) VCF-style: chr14-75514839-A-G.
Other names: c.1520T>C, p.Met507Thr (NM_014381.3); short protein forms M507T.
Identifiers: ClinVar variation 5024624 (VCV005024624.1).